The following is an entry in ClinVar:

ClinVar aggregate classification (germline): Uncertain significance (1 of 4 stars; one submission).

Conditions:
Baller-Gerold syndrome (BGS). Also called: CRANIOSYNOSTOSIS WITH RADIAL DEFECTS. Identifiers: Orphanet 1225, MedGen C0265308, MONDO:0009039, OMIM 218600.

gnomAD v4.1: 3 of 1,612,496 alleles (0.00019%); highest among the groups gnomAD compares: Non-Finnish European, 0.00025%; no homozygotes.

Submission:

Labcorp Genetics (formerly Invitae), Labcorp
Classification: Uncertain significance for Baller-Gerold syndrome. Last evaluated: 2023-10-13. Review status: criteria provided, single submitter. Criteria: Invitae Variant Classification Sherloc (09022015). Collection method: clinical testing. Allele origin: germline.
Comment: This sequence change replaces alanine, which is neutral and non-polar, with glycine, which is neutral and non-polar, at codon 960 of the RECQL4 protein (p.Ala960Gly). This variant is present in population databases (rs373651108, gnomAD 0.0009%). This variant has not been reported in the literature in individuals affected with RECQL4-related conditions. ClinVar contains an entry for this variant (Variation ID: 934021). Advanced modeling of protein sequence and biophysical properties (such as structural, functional, and spatial information, amino acid conservation, physicochemical variation, residue mobility, and thermodynamic stability) has been performed at Invitae for this missense variant, however the output from this modeling did not meet the statistical confidence thresholds required to predict the impact of this variant on RECQL4 protein function. In summary, the available evidence is currently insufficient to determine the role of this variant in disease. Therefore, it has been classified as a Variant of Uncertain Significance.

NM_004260.4(RECQL4):c.2879C>G (p.Ala960Gly)

Gene: RECQL4 (RecQ like helicase 4; minus strand). Cytogenetic location: 8q24.3.
Variant type: single nucleotide variant.
Coding change: c.2879C>G on transcript NM_004260.4 (MANE Select); coding-DNA position 2879, C replaced by G.
Protein change: p.Ala960Gly; replaces alanine 960 with glycine.
Molecular consequence: missense variant.
Genome position (GRCh38, 1-based): chr8:144,512,648, G>C on the plus strand (C>G on the coding strand, the complement: RECQL4 is on the minus strand). VCF-style: chr8-144512648-G-C. GRCh37 (hg19) VCF-style: chr8-145738031-G-C.
Other names: short protein forms A960G.
Identifiers: ClinVar variation 934021 (VCV000934021.6), dbSNP rs373651108, ClinGen allele CA4948042.